The following is an entry in ClinVar:

NM_005811.5(GDF11):c.1172T>G (p.Ile391Ser)

Gene: GDF11 (growth differentiation factor 11; plus strand). Cytogenetic location: 12q13.2.
Variant type: single nucleotide variant.
Coding change: c.1172T>G on transcript NM_005811.5 (MANE Select); coding-DNA position 1172, T replaced by G.
Protein change: p.Ile391Ser; replaces isoleucine 391 with serine.
Molecular consequence: missense variant.
Genome position (GRCh38, 1-based): chr12:55,749,830, T>G. VCF-style: chr12-55749830-T-G. GRCh37 (hg19) VCF-style: chr12-56143614-T-G.
Other names: short protein forms I391S.
Identifiers: ClinVar variation 4531428 (VCV004531428.1).

ClinVar aggregate classification (germline): Uncertain significance (1 of 4 stars; one submission).

Conditions:
Vertebral hypersegmentation and orofacial anomalies. Identifiers: MedGen C5436851, MONDO:0030871, OMIM 619122.

Submission:

Victorian Clinical Genetics Services, Murdoch Childrens Research Institute
Classification: Uncertain significance for Vertebral hypersegmentation and orofacial anomalies. Last evaluated: 2025-11-18. Review status: criteria provided, single submitter. Criteria: ACMG Guidelines, 2015. Collection method: clinical testing. Allele origin: germline. Affected: yes.
Comment: This variant is classified as VUS-3A. Evidence in support of pathogenic classification: Variant is absent from gnomAD (v2, v3 and v4); Missense variant predicted to be damaging by in silico tool(s) or highly conserved with a major amino acid change. Additional information: Variant is predicted to result in a missense amino acid change from Ile to Ser; This variant is heterozygous; This gene is associated with autosomal dominant disease; This variant has no previous evidence of pathogenicity; No published evidence of segregation with disease has been identified for this variant; No published functional evidence has been identified for this variant; No comparable missense variants have previous evidence for pathogenicity; Variant is located in the annotated transforming growth factor beta like domain (DECIPHER); Dominant negative and loss of function are suggested mechanisms of disease in this gene and are associated with vertebral hypersegmentation and orofacial anomalies (MIM#619122) (PMIDs: 31215115, 34113007); The condition associated with this gene may have incomplete penetrance. Two affected individuals have been reported to have inherited a GDF11 variant from a parent, one a mother who was mildly affected and the other a father who was asymptomatic (PMID: 34113007).

Literature cited by the submitters: PubMed 31215115; PubMed 34113007.